The following is an entry in ClinVar:

ClinVar aggregate classification (germline): Pathogenic/Likely pathogenic. Review status: criteria provided, multiple submitters, no conflicts (2 of 4 stars). 5 submissions from 5 submitters: Pathogenic (2); Likely pathogenic (1). 2 of the submissions do not count toward it. Last evaluated 2025-08-08.

Conditions:
Deficiency of mevalonate kinase. Also called: Mevalonate kinase deficiency. Identifiers: Orphanet 309025, MedGen C0342731, MONDO:0017708.
Porokeratosis 3, disseminated superficial actinic type (POROK3). Also called: POROKERATOSIS, DISSEMINATED SUPERFICIAL ACTINIC, 1; POROKERATOSIS 3, MULTIPLE TYPES; POROKERATOSIS 3, MIBELLI TYPE. Identifiers: MedGen C1867981, MONDO:0008293, OMIM 175900.
Mevalonic aciduria (MEVA). Identifiers: Orphanet 29, MedGen C1959626, MONDO:0012481, OMIM 610377.
Hyperimmunoglobulin D with periodic fever (HIDS). Also called: HYPERIMMUNOGLOBULINEMIA D AND PERIODIC FEVER SYNDROME; Hyperimmunoglobulinemia D with periodic fever; Hyperimmunoglobulinemia D. Identifiers: Orphanet 343, MedGen C0398691, MONDO:0009849, OMIM 260920.

Allele frequency attached by ClinVar (database versions not stated): gnomAD exomes below 0.00001.
gnomAD v4.1: 3 of 1,614,168 alleles (0.00019%); highest among the groups gnomAD compares: Non-Finnish European, 0.00025%; no homozygotes.

Submissions (5):

Myriad Genetics, Inc.
Classification: Pathogenic for Deficiency of mevalonate kinase. Last evaluated: 2025-08-08. Review status: criteria provided, single submitter. Criteria: Myriad Autosomal Dominant, Autosomal Recessive and X-Linked Classification Criteria (2023). Collection method: clinical testing. Allele origin: unknown.
Comment: NM_000431.2(MVK):c.976G>A(G326R) is a missense variant classified as pathogenic in the context of mevalonate kinase deficiency. G326R has been observed in cases with relevant disease (PMID: 31474985, 18941711, 23979089, 34525209, 32060250, 34508302, 17596604, 31325311, 34169453, 21708801, Dasunsel_2011_(Poster)). Relevant functional assessments of this variant are not available in the literature. G326R has not been observed in referenced population frequency databases. In summary, NM_000431.2(MVK):c.976G>A(G326R) is a missense variant that has been observed more frequently in cases with the relevant disease than in healthy populations. Please note: this variant was assessed in the context of healthy population screening.

Labcorp Genetics (formerly Invitae), Labcorp
Classification: Pathogenic for Mevalonic aciduria; Hyperimmunoglobulin D with periodic fever; Porokeratosis 3, disseminated superficial actinic type. Last evaluated: 2024-10-16. Review status: criteria provided, single submitter. Criteria: Invitae Variant Classification Sherloc (09022015). Collection method: clinical testing. Allele origin: germline.
Comment: This sequence change replaces glycine, which is neutral and non-polar, with arginine, which is basic and polar, at codon 326 of the MVK protein (p.Gly326Arg). This variant is not present in population databases (gnomAD no frequency). This missense change has been observed in individual(s) with mevalonate kinase deficiency (PMID: 11313769, 18941711, 23979089, 32060250). In at least one individual the data is consistent with being in trans (on the opposite chromosome) from a pathogenic variant. ClinVar contains an entry for this variant (Variation ID: 97639). Invitae Evidence Modeling of protein sequence and biophysical properties (such as structural, functional, and spatial information, amino acid conservation, physicochemical variation, residue mobility, and thermodynamic stability) indicates that this missense variant is expected to disrupt MVK protein function with a positive predictive value of 95%. For these reasons, this variant has been classified as Pathogenic.

Fulgent Genetics
Classification: Likely pathogenic for Porokeratosis 3, disseminated superficial actinic type; Hyperimmunoglobulin D with periodic fever; Mevalonic aciduria. Last evaluated: 2024-06-03. Review status: criteria provided, single submitter. Criteria: ACMG Guidelines, 2015. Collection method: clinical testing. Allele origin: germline.

OMIM
Classification: Pathogenic for HYPER-IgD SYNDROME. Last evaluated: 2013-09-01. Review status: no assertion criteria provided. Collection method: literature only. Allele origin: germline. Not counted in ClinVar's aggregate classification.

Unité médicale des maladies autoinflammatoires, CHRU Montpellier
No classification provided. Condition: Hyperimmunoglobulin D with periodic fever. Review status: no classification provided. Collection method: not provided. Allele origin: unknown. Not counted in ClinVar's aggregate classification.
Comment: also involved in OMIM 25117

Literature cited by the submitters: PubMed 11313769 (cited by Labcorp Genetics (formerly Invitae), Labcorp); PubMed 18941711 (cited by Labcorp Genetics (formerly Invitae), Labcorp); PubMed 23979089 (cited by Labcorp Genetics (formerly Invitae), Labcorp and OMIM); PubMed 32060250 (cited by Labcorp Genetics (formerly Invitae), Labcorp).

NM_000431.4(MVK):c.976G>A (p.Gly326Arg)

Gene: MVK (mevalonate kinase; plus strand). Cytogenetic location: 12q24.11.
Variant type: single nucleotide variant.
Coding change: c.976G>A on transcript NM_000431.4 (MANE Select); coding-DNA position 976, G replaced by A.
Protein change: p.Gly326Arg; replaces glycine 326 with arginine.
Molecular consequence: missense variant.
Genome position (GRCh38, 1-based): chr12:109,595,118, G>A. VCF-style: chr12-109595118-G-A. GRCh37 (hg19) VCF-style: chr12-110032923-G-A.
Other names: c.976G>A, p.Gly326Arg (NM_001114185.3); c.820G>A, p.Gly274Arg (NM_001301182.2); short protein forms G326R, G274R.
Identifiers: ClinVar variation 97639 (VCV000097639.8), dbSNP rs104895308, ClinGen allele CA149933.